The following is an entry in ClinVar:

NM_017780.4(CHD7):c.3533T>C (p.Leu1178Pro)

Gene: CHD7 (chromodomain helicase DNA binding protein 7; plus strand). Cytogenetic location: 8q12.2.
Variant type: single nucleotide variant.
Coding change: c.3533T>C on transcript NM_017780.4 (MANE Select); coding-DNA position 3533, T replaced by C.
Protein change: p.Leu1178Pro; replaces leucine 1178 with proline.
Molecular consequence: missense variant. On other transcripts: intron variant (1).
Genome position (GRCh38, 1-based): chr8:60,830,332, T>C. VCF-style: chr8-60830332-T-C. GRCh37 (hg19) VCF-style: chr8-61742891-T-C.
Other names: c.1717-31897T>C (NM_001316690.1); short protein forms L1178P.
Identifiers: ClinVar variation 4057038 (VCV004057038.1).

ClinVar aggregate classification (germline): Uncertain significance (1 of 4 stars; one submission).

Submission:

GeneDx
Classification: Uncertain significance. Last evaluated: 2025-01-12. Review status: criteria provided, single submitter. Criteria: GeneDx Variant Classification Process June 2021. Collection method: clinical testing. Allele origin: germline. Affected: yes.
Comment: Not observed at significant frequency in large population cohorts (gnomAD); In silico analysis supports that this missense variant has a deleterious effect on protein structure/function; Has not been previously published as pathogenic or benign to our knowledge